The following is an entry in ClinVar:

ClinVar aggregate classification (germline): Likely benign (1 of 4 stars; one submission).

Allele frequency attached by ClinVar (database versions not stated): gnomAD exomes 0.00060; ExAC 0.00165; ESP Exome Variant Server 0.00198; gnomAD 0.00207; 1000 Genomes Project 30x 0.00359; 1000 Genomes Project 0.00519.
gnomAD v4.1: 1,208 of 1,586,332 alleles (0.076%); highest among the groups gnomAD compares: African/African-American, 0.56%; 85 homozygotes.

Submission:

CeGaT Center for Human Genetics Tuebingen
Classification: Likely benign. Last evaluated: 2025-07-01. Review status: criteria provided, single submitter. Criteria: CeGaT Center For Human Genetics Tuebingen Variant Classification Criteria Version 2. Collection method: clinical testing. Allele origin: germline. Affected: yes. Observed: 5 variant alleles.
Comment: AHNAK2: BP4, BP7, BS2

NM_138420.4(AHNAK2):c.5574C>T (p.Ser1858=)

Gene: AHNAK2 (AHNAK nucleoprotein 2; minus strand). Cytogenetic location: 14q32.33.
Variant type: single nucleotide variant.
Coding change: c.5574C>T on transcript NM_138420.4 (MANE Select); coding-DNA position 5574, C replaced by T.
Protein change: p.Ser1858=; no amino-acid change (serine 1858 retained).
Molecular consequence: synonymous variant.
Genome position (GRCh38, 1-based): chr14:104,949,877, G>A on the plus strand (C>T on the coding strand, the complement: AHNAK2 is on the minus strand). VCF-style: chr14-104949877-G-A. GRCh37 (hg19) VCF-style: chr14-105416214-G-A.
Other names: c.5274C>T, p.Ser1758= (NM_001350929.2).
Identifiers: ClinVar variation 2644787 (VCV002644787.24), dbSNP rs377731075, ClinGen allele CA7381642.